The following is an entry in ClinVar:

ClinVar aggregate classification (germline): Likely benign. Review status: criteria provided, single submitter (1 of 4 stars). 2 submissions from 2 submitters: Likely benign (1). 1 of the submissions does not count toward it. Last evaluated 2025-12-01.

Conditions:
TMC6-related disorder. Also called: TMC6-related condition.
Epidermodysplasia verruciformis. Identifiers: Orphanet 302, MedGen C0014522, MONDO:0009176.

Allele frequency attached by ClinVar (database versions not stated): gnomAD 0.00010; TOPMed 0.00013; ExAC 0.00036; gnomAD exomes 0.00043.
gnomAD v4.1: 173 of 1,589,924 alleles (0.011%); highest among the groups gnomAD compares: Admixed American, 0.19%; no homozygotes.

Submissions (2):

Labcorp Genetics (formerly Invitae), Labcorp
Classification: Likely benign for Epidermodysplasia verruciformis. Last evaluated: 2025-12-01. Review status: criteria provided, single submitter. Criteria: Invitae Variant Classification Sherloc (09022015). Collection method: clinical testing. Allele origin: germline.

PreventionGenetics, part of Exact Sciences
Classification: Likely benign for TMC6-related condition. Last evaluated: 2023-06-07. Review status: no assertion criteria provided. Collection method: clinical testing. Allele origin: germline. Not counted in ClinVar's aggregate classification.
Comment: This variant is classified as likely benign based on ACMG/AMP sequence variant interpretation guidelines (Richards et al. 2015 PMID: 25741868, with internal and published modifications).

NM_001127198.5(TMC6):c.686C>T (p.Pro229Leu)

Gene: TMC6 (transmembrane channel like 6; minus strand). Cytogenetic location: 17q25.3.
Variant type: single nucleotide variant.
Coding change: c.686C>T on transcript NM_001127198.5 (MANE Select); coding-DNA position 686, C replaced by T.
Protein change: p.Pro229Leu; replaces proline 229 with leucine.
Molecular consequence: missense variant. On other transcripts: non-coding transcript variant (4).
Genome position (GRCh38, 1-based): chr17:78,124,729, G>A on the plus strand (C>T on the coding strand, the complement: TMC6 is on the minus strand). VCF-style: chr17-78124729-G-A. GRCh37 (hg19) VCF-style: chr17-76120810-G-A.
Other names: c.686C>T, p.Pro229Leu (NM_001321185.1, NM_001374593.1, NM_001374594.1 and 4 more transcripts); short protein forms P229L.
Identifiers: ClinVar variation 734682 (VCV000734682.13), dbSNP rs749326103, ClinGen allele CA8796032.